The following is an entry in ClinVar:

NM_001365088.1(SLC12A6):c.746-167dup

Gene: SLC12A6 (solute carrier family 12 member 6; minus strand). Cytogenetic location: 15q14.
Variant type: Duplication.
Coding change: c.746-167dup on transcript NM_001365088.1 (MANE Select); 167 bases into the intron before coding-DNA position 746, one base duplicated (T; older notation c.746-167dupT).
Molecular consequence: intron variant.
Genome position (GRCh38, 1-based): chr15:34,255,557, A duplicated on the plus strand (T on the coding strand, the reverse complement: SLC12A6 is on the minus strand); the first of 3 consecutive A bases (chr15:34,255,557-34,255,559); duplicating any one gives the same sequence. VCF-style (leftmost placement, unchanged base first): chr15-34255556-G-GA. GRCh37 (hg19) VCF-style: chr15-34547757-G-GA.
Other names: c.569-167dup (NM_001042495.2, NM_001042494.2); c.719-167dup (NM_001042496.2); c.701-167dup (NM_001042497.2); c.746-167dup (NM_133647.2); c.593-167dup (NM_005135.2).
Identifiers: ClinVar variation 670087 (VCV000670087.1), dbSNP rs11421665, ClinGen allele CA268640003.

ClinVar aggregate classification (germline): Benign (1 of 4 stars; one submission).

Submission:

GeneDx
Classification: Benign. Last evaluated: 2018-06-14. Review status: criteria provided, single submitter. Criteria: GeneDx Variant Classification (06012015). Collection method: clinical testing. Allele origin: germline. Affected: yes.
Comment: This variant is considered likely benign or benign based on one or more of the following criteria: it is a conservative change, it occurs at a poorly conserved position in the protein, it is predicted to be benign by multiple in silico algorithms, and/or has population frequency not consistent with disease.